The following is an entry in ClinVar:

ClinVar aggregate classification (germline): Uncertain significance (1 of 4 stars; one submission).

Submission:

Labcorp Genetics (formerly Invitae), Labcorp
Classification: Uncertain significance. Last evaluated: 2025-12-05. Review status: criteria provided, single submitter. Criteria: Invitae Variant Classification Sherloc (09022015). Collection method: clinical testing. Allele origin: germline.
Comment: This sequence change replaces asparagine, which is neutral and polar, with histidine, which is basic and polar, at codon 150 of the FH protein (p.Asn150His). This variant is not present in population databases (gnomAD no frequency). This variant has not been reported in the literature in individuals affected with FH-related conditions. ClinVar contains an entry for this variant (Variation ID: 1039915). Invitae Evidence Modeling of protein sequence and biophysical properties (such as structural, functional, and spatial information, amino acid conservation, physicochemical variation, residue mobility, and thermodynamic stability) has been performed for this missense variant. However, the output from this modeling did not meet the statistical confidence thresholds required to predict the impact of this variant on FH protein function. This variant disrupts the p.Asn150 amino acid residue in FH. Other variant(s) that disrupt this residue have been determined to be pathogenic (PMID: 33461594; internal data). This suggests that this residue is clinically significant, and that variants that disrupt this residue are likely to be disease-causing. In summary, the available evidence is currently insufficient to determine the role of this variant in disease. Therefore, it has been classified as a Variant of Uncertain Significance.

Literature cited by the submitters: PubMed 33461594.

NM_000143.4(FH):c.448A>C (p.Asn150His)

Gene: FH (fumarate hydratase; minus strand). Cytogenetic location: 1q43.
Variant type: single nucleotide variant.
Coding change: c.448A>C on transcript NM_000143.4 (MANE Select); coding-DNA position 448, A replaced by C.
Protein change: p.Asn150His; replaces asparagine 150 with histidine.
Molecular consequence: missense variant.
Genome position (GRCh38, 1-based): chr1:241,512,074, T>G on the plus strand (A>C on the coding strand, the complement: FH is on the minus strand). VCF-style: chr1-241512074-T-G. GRCh37 (hg19) VCF-style: chr1-241675374-T-G.
Other names: short protein forms N150H.
Identifiers: ClinVar variation 1039915 (VCV001039915.9), dbSNP rs1660099527, ClinGen allele CA345440086.